The following is an entry in ClinVar:

ClinVar aggregate classification (germline): Uncertain significance. Review status: criteria provided, multiple submitters, no conflicts (2 of 4 stars). 2 submissions from 2 submitters: Uncertain significance (2). Last evaluated 2025-04-12.

Conditions:
Inborn genetic diseases. Identifiers: MedGen C0950123, MeSH D030342.

Allele frequency attached by ClinVar (database versions not stated): gnomAD exomes 0.00001; ExAC 0.00002.
gnomAD v4.1: 9 of 1,614,022 alleles (0.00056%); highest among the groups gnomAD compares: Non-Finnish European, 0.00076%; no homozygotes.

Submissions (2):

Ambry Genetics
Classification: Uncertain significance for Inborn genetic diseases. Last evaluated: 2025-04-12. Review status: criteria provided, single submitter. Criteria: Ambry Variant Classification Scheme 2023. Collection method: clinical testing. Allele origin: germline.

Labcorp Genetics (formerly Invitae), Labcorp
Classification: Uncertain significance. Last evaluated: 2024-10-29. Review status: criteria provided, single submitter. Criteria: Invitae Variant Classification Sherloc (09022015). Collection method: clinical testing. Allele origin: germline.
Comment: This sequence change replaces tyrosine, which is neutral and polar, with cysteine, which is neutral and slightly polar, at codon 755 of the NFKB1 protein (p.Tyr755Cys). This variant is present in population databases (rs750585384, gnomAD 0.003%). This variant has not been reported in the literature in individuals affected with NFKB1-related conditions. ClinVar contains an entry for this variant (Variation ID: 2992299). An algorithm developed to predict the effect of missense changes on protein structure and function (PolyPhen-2) suggests that this variant is likely to be tolerated. In summary, the available evidence is currently insufficient to determine the role of this variant in disease. Therefore, it has been classified as a Variant of Uncertain Significance.

NM_003998.4(NFKB1):c.2264A>G (p.Tyr755Cys)

Gene: NFKB1 (nuclear factor kappa B subunit 1; plus strand). Cytogenetic location: 4q24.
Variant type: single nucleotide variant.
Coding change: c.2264A>G on transcript NM_003998.4 (MANE Select); coding-DNA position 2264, A replaced by G.
Protein change: p.Tyr755Cys; replaces tyrosine 755 with cysteine.
Molecular consequence: missense variant.
Genome position (GRCh38, 1-based): chr4:102,610,611, A>G. VCF-style: chr4-102610611-A-G. GRCh37 (hg19) VCF-style: chr4-103531768-A-G.
Other names: c.2264A>G (NM_003998.3); c.2261A>G, p.Tyr754Cys (NM_001165412.2, NM_001319226.2, NM_001382627.1); c.2264A>G, p.Tyr755Cys (NM_001382625.1, NM_001382626.1); c.2222A>G, p.Tyr741Cys (NM_001382628.1); short protein forms Y754C, Y755C, Y741C.
Identifiers: ClinVar variation 2992299 (VCV002992299.4), dbSNP rs750585384, ClinGen allele CA3026380.
Genomic context (GRCh38, chr4:102,610,611, plus strand): 5'-ATGCTGTGTAATCTAACTTCGCAGGAGCAGATCCCCTGGTGGAGAACTTTGAGCCTCTCT[A>G]TGACCTGGATGACTCTTGGGAAAATGCAGGAGAGGATGAAGGAGTTGTGCCTGGAACCAC-3'
Protein context (NP_003989.2, residues 745-765): DPLVENFEPL[Tyr755Cys]DLDDSWENAG